The following is an entry in ClinVar:

ClinVar aggregate classification (germline): Uncertain significance (1 of 4 stars; one submission).

Allele frequency attached by ClinVar (database versions not stated): TOPMed below 0.00001.
gnomAD v4.1: 6 of 1,613,766 alleles (0.00037%); highest among the groups gnomAD compares: Admixed American, 0.0083%; no homozygotes.

Submission:

Labcorp Genetics (formerly Invitae), Labcorp
Classification: Uncertain significance. Last evaluated: 2023-02-08. Review status: criteria provided, single submitter. Criteria: Invitae Variant Classification Sherloc (09022015). Collection method: clinical testing. Allele origin: germline.
Comment: This sequence change replaces threonine, which is neutral and polar, with isoleucine, which is neutral and non-polar, at codon 302 of the ASRGL1 protein (p.Thr302Ile). This variant is present in population databases (rs772089516, gnomAD 0.009%). This variant has not been reported in the literature in individuals affected with ASRGL1-related conditions. ClinVar contains an entry for this variant (Variation ID: 1025122). Algorithms developed to predict the effect of missense changes on protein structure and function (SIFT, PolyPhen-2, Align-GVGD) all suggest that this variant is likely to be tolerated. In summary, the available evidence is currently insufficient to determine the role of this variant in disease. Therefore, it has been classified as a Variant of Uncertain Significance.

NM_001083926.2(ASRGL1):c.905C>T (p.Thr302Ile)

Gene: ASRGL1 (asparaginase and isoaspartyl peptidase 1; plus strand). Cytogenetic location: 11q12.3.
Variant type: single nucleotide variant.
Coding change: c.905C>T on transcript NM_001083926.2 (MANE Select); coding-DNA position 905, C replaced by T.
Protein change: p.Thr302Ile; replaces threonine 302 with isoleucine.
Molecular consequence: missense variant.
Genome position (GRCh38, 1-based): chr11:62,392,262, C>T. VCF-style: chr11-62392262-C-T. GRCh37 (hg19) VCF-style: chr11-62159734-C-T.
Other names: c.905C>T, p.Thr302Ile (NM_025080.4); short protein forms T302I.
Identifiers: ClinVar variation 1025122 (VCV001025122.8), dbSNP rs772089516, ClinGen allele CA6043353.